The following is an entry in ClinVar:

ClinVar aggregate classification (germline): Uncertain significance (1 of 4 stars; one submission).

Submission:

Labcorp Genetics (formerly Invitae), Labcorp
Classification: Uncertain significance. Last evaluated: 2025-03-22. Review status: criteria provided, single submitter. Criteria: Invitae Variant Classification Sherloc (09022015). Collection method: clinical testing. Allele origin: germline.
Comment: This sequence change replaces cysteine, which is neutral and slightly polar, with tyrosine, which is neutral and polar, at codon 2440 of the ACAN protein (p.Cys2440Tyr). This variant is not present in population databases (gnomAD no frequency). This variant has not been reported in the literature in individuals affected with ACAN-related conditions. ClinVar contains an entry for this variant (Variation ID: 2833778). An algorithm developed to predict the effect of missense changes on protein structure and function (PolyPhen-2) suggests that this variant is likely to be disruptive. In summary, the available evidence is currently insufficient to determine the role of this variant in disease. Therefore, it has been classified as a Variant of Uncertain Significance.

NM_001369268.1(ACAN):c.7433G>A (p.Cys2478Tyr)

Gene: ACAN (aggrecan; plus strand). Cytogenetic location: 15q26.1.
Variant type: single nucleotide variant.
Coding change: c.7433G>A on transcript NM_001369268.1 (MANE Select); coding-DNA position 7433, G replaced by A.
Protein change: p.Cys2478Tyr; replaces cysteine 2478 with tyrosine.
Molecular consequence: missense variant.
Genome position (GRCh38, 1-based): chr15:88,873,011, G>A. VCF-style: chr15-88873011-G-A. GRCh37 (hg19) VCF-style: chr15-89416242-G-A.
Other names: c.7205G>A, p.Cys2402Tyr (NM_001135.4, NM_001411096.1); c.7319G>A, p.Cys2440Tyr (NM_001411097.1, NM_013227.4); short protein forms C2440Y, C2402Y, C2478Y.
Identifiers: ClinVar variation 2833778 (VCV002833778.3), dbSNP rs2505388542, ClinGen allele CA393730605.